The following is an entry in ClinVar:

NM_004281.4(BAG3):c.448_449del (p.Gln150fs)

Gene: BAG3 (BAG cochaperone 3; plus strand). Cytogenetic location: 10q26.11.
Variant type: Deletion.
Coding change: c.448_449del on transcript NM_004281.4 (MANE Select); coding-DNA positions 448 to 449, 2 bases deleted (CA; older notation c.448_449delCA).
Protein change: p.Gln150fs; shifts the reading frame from glutamine 150.
Molecular consequence: frameshift variant.
Genome position (GRCh38, 1-based): chr10:119,670,118-119,670,119, CA deleted; deleting any 2 consecutive bases within chr10:119,670,117-119,670,119 gives the same sequence; the c. name uses the placement nearest the transcript's 3' end. VCF-style (leftmost placement, unchanged base first): chr10-119670116-AAC-A. GRCh37 (hg19) VCF-style: chr10-121429628-AAC-A.
Other names: short protein forms Q150fs.
Identifiers: ClinVar variation 2020380 (VCV002020380.4), dbSNP rs2494009726, ClinGen allele CA2580082418.
Genomic context (GRCh38, chr10:119,670,116, plus strand): 5'-CGGCTCCTCAGAGGTCCCAGTCACCTCTGCGGGGCATGCCAGAAACCACTCAGCCAGATA[AAC>A]AGTGTGGACAGGTGGCAGCGGCGGCGGCAGCCCAGCCCCCAGCCTCCCACGGACCTGAGG-3'

ClinVar aggregate classification (germline): Pathogenic (1 of 4 stars; one submission).

Conditions:
Myofibrillar myopathy 6. Identifiers: Orphanet 199340, MedGen C2751831, MONDO:0013061, OMIM 612954.
Dilated cardiomyopathy 1HH (CMD1HH). Identifiers: Orphanet 154, MedGen C3151293, MONDO:0013479, OMIM 613881.

Submission:

Labcorp Genetics (formerly Invitae), Labcorp
Classification: Pathogenic for Dilated cardiomyopathy 1HH; Myofibrillar myopathy 6. Last evaluated: 2022-09-24. Review status: criteria provided, single submitter. Criteria: Invitae Variant Classification Sherloc (09022015). Collection method: clinical testing. Allele origin: germline.
Comment: This sequence change creates a premature translational stop signal (p.Gln150Valfs*19) in the BAG3 gene. It is expected to result in an absent or disrupted protein product. Loss-of-function variants in BAG3 are known to be pathogenic (PMID: 21353195, 25008357). For these reasons, this variant has been classified as Pathogenic. This variant has not been reported in the literature in individuals affected with BAG3-related conditions. This variant is not present in population databases (gnomAD no frequency).

Literature cited by the submitters: PubMed 21353195; PubMed 25008357.